The following is an entry in ClinVar:

ClinVar aggregate classification (germline): Uncertain significance (1 of 4 stars; one submission).

Conditions:
Tuberous sclerosis 2 (TSC2). Identifiers: Orphanet 805, MedGen C1860707, MONDO:0013199, OMIM 613254.

Submission:

Labcorp Genetics (formerly Invitae), Labcorp
Classification: Uncertain significance for Tuberous sclerosis 2. Last evaluated: 2025-11-03. Review status: criteria provided, single submitter. Criteria: Invitae Variant Classification Sherloc (09022015). Collection method: clinical testing. Allele origin: germline.
Comment: This sequence change replaces leucine, which is neutral and non-polar, with valine, which is neutral and non-polar, at codon 231 of the TSC2 protein (p.Leu231Val). This variant is not present in population databases (gnomAD no frequency). This variant has not been reported in the literature in individuals affected with TSC2-related conditions. Invitae Evidence Modeling of protein sequence and biophysical properties (such as structural, functional, and spatial information, amino acid conservation, physicochemical variation, residue mobility, and thermodynamic stability) indicates that this missense variant is not expected to disrupt TSC2 protein function with a negative predictive value of 95%. In summary, the available evidence is currently insufficient to determine the role of this variant in disease. Therefore, it has been classified as a Variant of Uncertain Significance.

NM_000548.5(TSC2):c.691C>G (p.Leu231Val)

Gene: TSC2 (TSC complex subunit 2; plus strand). Cytogenetic location: 16p13.3.
Variant type: single nucleotide variant.
Coding change: c.691C>G on transcript NM_000548.5 (MANE Select); coding-DNA position 691, C replaced by G.
Protein change: p.Leu231Val; replaces leucine 231 with valine.
Molecular consequence: missense variant. On other transcripts: 5 prime UTR variant (10), non-coding transcript variant (5).
Genome position (GRCh38, 1-based): chr16:2,056,686, C>G. VCF-style: chr16-2056686-C-G. GRCh37 (hg19) VCF-style: chr16-2106687-C-G.
Other names: c.691C>G, p.Leu231Val (NM_001077183.3, NM_001114382.3, NM_001363528.2 and 6 more transcripts); c.580C>G, p.Leu194Val (NM_001318827.2, NM_001406678.1, NM_001406670.1); c.544C>G, p.Leu182Val (NM_001318829.2, NM_001406675.1, NM_001406676.1 and 1 more transcripts); c.91C>G, p.Leu31Val (NM_001318831.2, NM_001406680.1, NM_001406682.1 and 6 more transcripts); c.724C>G, p.Leu242Val (NM_001318832.2); c.679C>G, p.Leu227Val (NM_001406673.1, NM_001406671.1); c.634C>G, p.Leu212Val (NM_001406677.1); c.229C>G, p.Leu77Val (NM_001406681.1); and 4 more; short protein forms L261V, L31V, L77V, L182V, L194V, L212V, L227V, L231V.
Identifiers: ClinVar variation 4802836 (VCV004802836.1).
Genomic context (GRCh38, chr16:2,056,686, plus strand): 5'-CGTCTCCCTCTCCACCAGGTCTCCCTGCAGGTGCTGGACGCCGTGGTCTGCTACAACTGC[C>G]TGCCGGCTGAGAGCCTCCCGCTGTTCATCGTTACCCTCTGTCGCACCATCAACGTCAAGG-3'
Protein context (NP_000539.2, residues 221-241): VLDAVVCYNC[Leu231Val]PAESLPLFIV